The following is an entry in ClinVar:

NM_000875.5(IGF1R):c.1882A>G (p.Ile628Val)

Gene: IGF1R (insulin like growth factor 1 receptor; plus strand). Cytogenetic location: 15q26.3.
Variant type: single nucleotide variant.
Coding change: c.1882A>G on transcript NM_000875.5 (MANE Select); coding-DNA position 1882, A replaced by G.
Protein change: p.Ile628Val; replaces isoleucine 628 with valine.
Molecular consequence: missense variant.
Genome position (GRCh38, 1-based): chr15:98,916,017, A>G. VCF-style: chr15-98916017-A-G. GRCh37 (hg19) VCF-style: chr15-99459246-A-G.
Other names: c.1882A>G, p.Ile628Val (NM_001291858.2); short protein forms I628V.
Identifiers: ClinVar variation 2808356 (VCV002808356.3), dbSNP rs2506020141, ClinGen allele CA393679718.

ClinVar aggregate classification (germline): Uncertain significance (1 of 4 stars; one submission).

gnomAD v4.1: 2 of 1,614,056 alleles (0.00012%); highest among the groups gnomAD compares: Admixed American, 0.0017%; no homozygotes.

Submission:

Labcorp Genetics (formerly Invitae), Labcorp
Classification: Uncertain significance. Last evaluated: 2023-12-30. Review status: criteria provided, single submitter. Criteria: Invitae Variant Classification Sherloc (09022015). Collection method: clinical testing. Allele origin: germline.
Comment: This sequence change replaces isoleucine, which is neutral and non-polar, with valine, which is neutral and non-polar, at codon 628 of the IGF1R protein (p.Ile628Val). This variant is not present in population databases (gnomAD no frequency). This variant has not been reported in the literature in individuals affected with IGF1R-related conditions. Advanced modeling of protein sequence and biophysical properties (such as structural, functional, and spatial information, amino acid conservation, physicochemical variation, residue mobility, and thermodynamic stability) performed at Invitae indicates that this missense variant is not expected to disrupt IGF1R protein function with a negative predictive value of 80%. In summary, the available evidence is currently insufficient to determine the role of this variant in disease. Therefore, it has been classified as a Variant of Uncertain Significance.